The following is an entry in ClinVar:

NM_018082.6(POLR3B):c.1952A>G (p.Asn651Ser)

Gene: POLR3B (RNA polymerase III subunit B; plus strand). Cytogenetic location: 12q23.3.
Variant type: single nucleotide variant.
Coding change: c.1952A>G on transcript NM_018082.6 (MANE Select); coding-DNA position 1952, A replaced by G.
Protein change: p.Asn651Ser; replaces asparagine 651 with serine.
Molecular consequence: missense variant.
Genome position (GRCh38, 1-based): chr12:106,437,776, A>G. VCF-style: chr12-106437776-A-G. GRCh37 (hg19) VCF-style: chr12-106831554-A-G.
Other names: c.1778A>G, p.Asn593Ser (NM_001160708.2); short protein forms N593S, N651S.
Identifiers: ClinVar variation 1936182 (VCV001936182.5), dbSNP rs527638833, ClinGen allele CA243188392.

ClinVar aggregate classification (germline): Uncertain significance (1 of 4 stars; one submission).

Allele frequency attached by ClinVar (database versions not stated): TOPMed below 0.00001; gnomAD 0.00001.
gnomAD v4.1: 3 of 1,534,480 alleles (0.0002%); highest among the groups gnomAD compares: African/African-American, 0.0014%; no homozygotes.

Submission:

Labcorp Genetics (formerly Invitae), Labcorp
Classification: Uncertain significance. Last evaluated: 2022-11-08. Review status: criteria provided, single submitter. Criteria: Invitae Variant Classification Sherloc (09022015). Collection method: clinical testing. Allele origin: germline.
Comment: Algorithms developed to predict the effect of sequence changes on RNA splicing suggest that this variant may create or strengthen a splice site. This sequence change replaces asparagine, which is neutral and polar, with serine, which is neutral and polar, at codon 651 of the POLR3B protein (p.Asn651Ser). This variant is not present in population databases (gnomAD no frequency). This variant has not been reported in the literature in individuals affected with POLR3B-related conditions. Advanced modeling of protein sequence and biophysical properties (such as structural, functional, and spatial information, amino acid conservation, physicochemical variation, residue mobility, and thermodynamic stability) performed at Invitae indicates that this missense variant is not expected to disrupt POLR3B protein function. In summary, the available evidence is currently insufficient to determine the role of this variant in disease. Therefore, it has been classified as a Variant of Uncertain Significance.